The following is an entry in ClinVar:

ClinVar aggregate classification (germline): Likely pathogenic (1 of 4 stars; one submission).

Conditions:
Ornithine carbamoyltransferase deficiency (OTCD). Also called: ORNITHINE TRANSCARBAMYLASE DEFICIENCY; ORNITHINE TRANSCARBAMYLASE DEFICIENCY, HYPERAMMONEMIA DUE TO; Ornithine Carbamoyltransferase Deficiency Disease; OTC DEFICIENCY. Identifiers: Orphanet 664, MedGen C0268542, MONDO:0010703, OMIM 311250.

Submission:

Labcorp Genetics (formerly Invitae), Labcorp
Classification: Likely pathogenic for Ornithine carbamoyltransferase deficiency. Last evaluated: 2023-10-16. Review status: criteria provided, single submitter. Criteria: Invitae Variant Classification Sherloc (09022015). Collection method: clinical testing. Allele origin: germline.
Comment: This sequence change falls in intron 1 of the OTC gene. It does not directly change the encoded amino acid sequence of the OTC protein. It affects a nucleotide within the consensus splice site. This variant is not present in population databases (gnomAD no frequency). This variant has been observed in individuals with ornithine transcarbamylase (OTC) deficiency (Invitae). ClinVar contains an entry for this variant (Variation ID: 567293). Variants that disrupt the consensus splice site are a relatively common cause of aberrant splicing (PMID: 17576681, 9536098). Algorithms developed to predict the effect of sequence changes on RNA splicing suggest that this variant may disrupt the consensus splice site. In summary, the currently available evidence indicates that the variant is pathogenic, but additional data are needed to prove that conclusively. Therefore, this variant has been classified as Likely Pathogenic.

Literature cited by the submitters: PubMed 17576681; PubMed 9536098.

NM_000531.6(OTC):c.77+2dup

Gene: OTC (ornithine transcarbamylase; plus strand). Cytogenetic location: Xp11.4.
Variant type: Duplication.
Coding change: c.77+2dup on transcript NM_000531.6 (MANE Select); the canonical splice donor site of the intron after coding-DNA position 77, one base duplicated (T; older notation c.77+2dupT).
Molecular consequence: splice donor variant.
Genome position (GRCh38, 1-based): chrX:38,352,775, T duplicated. VCF-style (leftmost placement, unchanged base first): chrX-38352774-G-GT. GRCh37 (hg19) VCF-style: chrX-38212027-G-GT.
Other names: c.77+2dupT (NM_000531.5).
Identifiers: ClinVar variation 567293 (VCV000567293.9), dbSNP rs1569270890, ClinGen allele CA891844248.